The following is an entry in ClinVar:

ClinVar aggregate classification (germline): Uncertain significance (1 of 4 stars; one submission).

Conditions:
Ehlers-Danlos syndrome, kyphoscoliotic type, 2. Also called: Ehlers-Danlos syndrome with progressive kyphoscoliosis, myopathy, and hearing loss; FKBP14-Kyphoscoliotic Ehlers-Danlos Syndrome; Ehlers-Danlos syndrome, kyphoscoliotic and deafness type. Identifiers: Orphanet 300179, MedGen C3281160, MONDO:0013800, OMIM 614557.

Submission:

Labcorp Genetics (formerly Invitae), Labcorp
Classification: Uncertain significance for Ehlers-Danlos syndrome, kyphoscoliotic type, 2. Last evaluated: 2020-02-07. Review status: criteria provided, single submitter. Criteria: Invitae Variant Classification Sherloc (09022015). Collection method: clinical testing. Allele origin: germline.
Comment: This variant results in a copy number gain of the genomic region encompassing the full coding sequence of the FKBP14 gene. The boundaries of this event are unknown as they extend beyond the assayed region for this gene and therefore may encompass additional genes. As the precise location of this event is unknown, it may be in tandem or it may be located elsewhere in the genome. This variant has not been reported in the literature in individuals with FKBP14-related conditions. In summary, the available evidence is currently insufficient to determine the role of this variant in disease. Therefore, it has been classified as a Variant of Uncertain Significance.

NC_000007.13:g.(?_30049199)_(30067417_?)dup

Gene: FKBP14 (FKBP prolyl isomerase 14; minus strand). Cytogenetic location: 7p14.3.
Variant type: Duplication.
Identifiers: ClinVar variation 1047555 (VCV001047555.2).